The following is an entry in ClinVar:

NM_002529.4(NTRK1):c.851-42G>T

Gene: NTRK1 (neurotrophic receptor tyrosine kinase 1; plus strand). Cytogenetic location: 1q23.1.
Variant type: single nucleotide variant.
Coding change: c.851-42G>T on transcript NM_002529.4 (MANE Select); 42 bases into the intron before coding-DNA position 851, G replaced by T.
Molecular consequence: intron variant.
Genome position (GRCh38, 1-based): chr1:156,873,591, G>T. VCF-style: chr1-156873591-G-T. GRCh37 (hg19) VCF-style: chr1-156843383-G-T.
Other names: c.761-42G>T (NM_001007792.1); c.851-42G>T (NM_001012331.2).
Identifiers: ClinVar variation 4989457 (VCV004989457.1).
Genomic context (GRCh38, chr1:156,873,591, plus strand): 5'-GATTTCGGGTTCTACTCGCTTTGCCCGTGGACTTGTCGGGTGTGTGCCAGGCTCCCTCCA[G>T]CTGCGCCCTGACCTCCTGCTGTTGCTCTTTCTGGCCCACAGTCCCGGCCAGTGTGCAGCT-3'

ClinVar aggregate classification (germline): Likely benign (1 of 4 stars; one submission).

Conditions:
NTRK1-related disorder. Also called: NTRK1-related condition.

gnomAD v4.1: 23 of 1,570,978 alleles (0.0015%); highest among the groups gnomAD compares: Non-Finnish European, 0.0019%; no homozygotes.

Submission:

PreventionGenetics, part of Exact Sciences
Classification: Likely benign for NTRK1-related condition. Last evaluated: 2025-08-20. Review status: criteria provided, single submitter. Criteria: ACMG Guidelines, 2015. Collection method: clinical testing. Allele origin: germline.
Comment: This variant is classified as likely benign based on ACMG/AMP sequence variant interpretation guidelines (Richards et al. 2015 PMID: 25741868, with internal and published modifications).